The following is an entry in ClinVar:

ClinVar aggregate classification (germline): Conflicting classifications of pathogenicity. Review status: criteria provided, conflicting classifications (1 of 4 stars). 3 submissions from 3 submitters: Uncertain significance (1); Likely benign (2). Last evaluated 2025-02-21.

Conditions:
Hereditary cancer-predisposing syndrome. Also called: Tumor predisposition; Hereditary Cancer Syndrome; Neoplastic Syndromes, Hereditary; Hereditary neoplastic syndrome. Identifiers: Orphanet 140162, MedGen C0027672, MeSH D009386, MONDO:0015356.
Breast-ovarian cancer, familial, susceptibility to, 4. Identifiers: Orphanet 145, MedGen C3280345, MONDO:0013669, OMIM 614291.

Submissions (3):

Myriad Genetics, Inc.
Classification: Likely benign for Breast-ovarian cancer, familial, susceptibility to, 4. Last evaluated: 2025-02-21. Review status: criteria provided, single submitter. Criteria: Myriad Autosomal Dominant, Autosomal Recessive and X-Linked Classification Criteria (2023). Collection method: clinical testing. Allele origin: unknown.
Comment: This variant is considered likely benign. This variant is intronic and is not expected to impact mRNA splicing.

Labcorp Genetics (formerly Invitae), Labcorp
Classification: Likely benign for Breast-ovarian cancer, familial, susceptibility to, 4. Last evaluated: 2023-06-09. Review status: criteria provided, single submitter. Criteria: Invitae Variant Classification Sherloc (09022015). Collection method: clinical testing. Allele origin: germline.

Color Diagnostics, LLC DBA Color Health
Classification: Uncertain significance for Hereditary cancer-predisposing syndrome. Last evaluated: 2019-04-03. Review status: criteria provided, single submitter. Criteria: ACMG Guidelines, 2015. Collection method: clinical testing. Allele origin: germline.

NM_002878.4(RAD51D):c.346-6C>T

Genes: RAD51D (RAD51 paralog D; minus strand), RAD51L3-RFFL (RAD51L3-RFFL readthrough; minus strand). Cytogenetic location: 17q12.
Variant type: single nucleotide variant.
Coding change: c.346-6C>T on transcript NM_002878.4 (MANE Select); 6 bases into the intron before coding-DNA position 346, C replaced by T.
Molecular consequence: intron variant.
Genome position (GRCh38, 1-based): chr17:35,107,128, G>A on the plus strand (C>T on the coding strand, the complement: RAD51D is on the minus strand). VCF-style: chr17-35107128-G-A. GRCh37 (hg19) VCF-style: chr17-33434147-G-A.
Other names: c.145-647C>T (NM_133629.3); c.406-6C>T (NM_001142571.2).
Identifiers: ClinVar variation 627734 (VCV000627734.11), dbSNP rs1555568392, ClinGen allele CA913188816.